The following is an entry in ClinVar:

NM_001289808.2(CRYAB):c.202-18T>C

Gene: CRYAB (crystallin alpha B; minus strand). Cytogenetic location: 11q23.1.
Variant type: single nucleotide variant.
Coding change: c.202-18T>C on transcript NM_001289808.2 (MANE Select); 18 bases into the intron before coding-DNA position 202, T replaced by C.
Molecular consequence: intron variant. On other transcripts: 5 prime UTR variant (1).
Genome position (GRCh38, 1-based): chr11:111,910,467, A>G on the plus strand (T>C on the coding strand, the complement: CRYAB is on the minus strand). VCF-style: chr11-111910467-A-G. GRCh37 (hg19) VCF-style: chr11-111781191-A-G.
Other names: c.-18T>C (NM_001368246.1); c.202-18T>C (NM_001368245.1, NM_001885.3, NM_001289807.1); c.1-18T>C (NM_001330379.1).
Identifiers: ClinVar variation 385377 (VCV000385377.4), dbSNP rs1057522206, ClinGen allele CA16606865.

ClinVar aggregate classification (germline): Likely benign. Review status: criteria provided, multiple submitters, no conflicts (2 of 4 stars). 2 submissions from 2 submitters: Likely benign (2). Last evaluated 2025-12-08.

Conditions:
Dilated cardiomyopathy 1II (CMD1II). Identifiers: Orphanet 154, MedGen C3554649, MONDO:0014073, OMIM 615184.

Allele frequency attached by ClinVar (database versions not stated): gnomAD exomes below 0.00001.

Submissions (2):

Labcorp Genetics (formerly Invitae), Labcorp
Classification: Likely benign for Dilated cardiomyopathy 1II. Last evaluated: 2025-12-08. Review status: criteria provided, single submitter. Criteria: Invitae Variant Classification Sherloc (09022015). Collection method: clinical testing. Allele origin: germline.

GeneDx
Classification: Likely benign. Last evaluated: 2016-05-03. Review status: criteria provided, single submitter. Criteria: GeneDx Variant Classification (06012015). Collection method: clinical testing. Allele origin: germline. Affected: yes.
Comment: This variant is considered likely benign or benign based on one or more of the following criteria: it is a conservative change, it occurs at a poorly conserved position in the protein, it is predicted to be benign by multiple in silico algorithms, and/or has population frequency not consistent with disease.